The following is an entry in ClinVar:

NM_019098.5(CNGB3):c.2103+1G>T

Gene: CNGB3 (cyclic nucleotide gated channel subunit beta 3; minus strand). Cytogenetic location: 8q21.3.
Variant type: single nucleotide variant.
Coding change: c.2103+1G>T on transcript NM_019098.5 (MANE Select); the canonical splice donor site of the intron after coding-DNA position 2103, G replaced by T.
Molecular consequence: splice donor variant.
Genome position (GRCh38, 1-based): chr8:86,578,688, C>A on the plus strand (G>T on the coding strand, the complement: CNGB3 is on the minus strand). VCF-style: chr8-86578688-C-A. GRCh37 (hg19) VCF-style: chr8-87590916-C-A.
Identifiers: ClinVar variation 2020652 (VCV002020652.6), dbSNP rs1554604767, ClinGen allele CA371447152.

ClinVar aggregate classification (germline): Likely pathogenic. Review status: criteria provided, multiple submitters, no conflicts (2 of 4 stars). 3 submissions from 3 submitters: Likely pathogenic (3). Last evaluated 2024-03-29.

Conditions:
Achromatopsia 3 (ACHM3). Also called: PINGELAPESE BLINDNESS; TOTAL COLORBLINDNESS WITH MYOPIA; ROD MONOCHROMACY 1; ROD MONOCHROMATISM 1; ACHROMATOPSIA WITH MYOPIA. Identifiers: Orphanet 49382, MedGen C1849792, MONDO:0009875, OMIM 262300.
CNGB3-related disorder. Also called: CNGB3-related disorders; CNGB3-related condition. Identifiers: MedGen CN239340.

Submissions (3):

Fulgent Genetics
Classification: Likely pathogenic for Achromatopsia 3. Last evaluated: 2024-03-29. Review status: criteria provided, single submitter. Criteria: ACMG Guidelines, 2015. Collection method: clinical testing. Allele origin: germline.

Labcorp Genetics (formerly Invitae), Labcorp
Classification: Likely pathogenic. Last evaluated: 2023-08-22. Review status: criteria provided, single submitter. Criteria: Invitae Variant Classification Sherloc (09022015). Collection method: clinical testing. Allele origin: germline.
Comment: In summary, the currently available evidence indicates that the variant is pathogenic, but additional data are needed to prove that conclusively. Therefore, this variant has been classified as Likely Pathogenic. Variants that disrupt the consensus splice site are a relatively common cause of aberrant splicing (PMID: 17576681, 9536098). Algorithms developed to predict the effect of sequence changes on RNA splicing suggest that this variant may disrupt the consensus splice site. This sequence change affects a donor splice site in intron 17 of the CNGB3 gene. While this variant is not anticipated to result in nonsense mediated decay, it likely alters RNA splicing and results in a disrupted protein product. This variant is not present in population databases (gnomAD no frequency). Disruption of this splice site has been observed in individual(s) with CNGB3-related conditions (PMID: 28795510; external communication). In at least one individual the data is consistent with being in trans (on the opposite chromosome) from a pathogenic variant. ClinVar contains an entry for this variant (Variation ID: 2020652).

Blueprint Genetics
Classification: Likely pathogenic for CNGB3-related disorders. Last evaluated: 2022-08-17. Review status: criteria provided, single submitter. Criteria: ACMG Guidelines, 2015. Collection method: clinical testing. Allele origin: germline. Affected: yes. Observed: 1 variant allele.

Literature cited by the submitters: PubMed 17576681 (cited by Labcorp Genetics (formerly Invitae), Labcorp); PubMed 9536098 (cited by Labcorp Genetics (formerly Invitae), Labcorp); PubMed 28795510 (cited by Labcorp Genetics (formerly Invitae), Labcorp).